The following is an entry in ClinVar:

NM_001005273.3(CHD3):c.5575G>C (p.Ala1859Pro)

Gene: CHD3 (chromodomain helicase DNA binding protein 3; plus strand). Cytogenetic location: 17p13.1.
Variant type: single nucleotide variant.
Coding change: c.5575G>C on transcript NM_001005273.3 (MANE Select); coding-DNA position 5575, G replaced by C.
Protein change: p.Ala1859Pro; replaces alanine 1859 with proline.
Molecular consequence: missense variant.
Genome position (GRCh38, 1-based): chr17:7,909,323, G>C. VCF-style: chr17-7909323-G-C. GRCh37 (hg19) VCF-style: chr17-7812641-G-C.
Other names: c.5752G>C, p.Ala1918Pro (NM_001005271.3); c.5473G>C, p.Ala1825Pro (NM_005852.4); short protein forms A1825P, A1859P, A1918P.
Identifiers: ClinVar variation 3901722 (VCV003901722.1).
Genomic context (GRCh38, chr17:7,909,323, plus strand): 5'-CTGGCCGAGAGCCACCAGCACCTCTCCAAGGAGTCGCTGGCGGGGAACAAGCCGGCCAAC[G>C]CCGTCCTGCACAAGGGTAAGGGCCGCGGCGGCCCCGCGCGGGGGAGGGCCCACAACGCTG-3'
Protein context (NP_001005273.1, residues 1849-1869): ESLAGNKPAN[Ala1859Pro]VLHKVLNQLE

ClinVar aggregate classification (germline): Uncertain significance (1 of 4 stars; one submission).

Submission:

GeneDx
Classification: Uncertain significance. Last evaluated: 2024-12-06. Review status: criteria provided, single submitter. Criteria: GeneDx Variant Classification Process June 2021. Collection method: clinical testing. Allele origin: germline. Affected: yes.
Comment: Not observed at significant frequency in large population cohorts (gnomAD); In silico analysis supports that this missense variant has a deleterious effect on protein structure/function; Has not been previously published as pathogenic or benign to our knowledge